The following is an entry in ClinVar:

NM_000629.3(IFNAR1):c.1144-3T>C

Gene: IFNAR1 (interferon alpha and beta receptor subunit 1; plus strand). Cytogenetic location: 21q22.11.
Variant type: single nucleotide variant.
Coding change: c.1144-3T>C on transcript NM_000629.3 (MANE Select); 3 bases into the intron before coding-DNA position 1144, T replaced by C.
Molecular consequence: intron variant.
Genome position (GRCh38, 1-based): chr21:33,352,755, T>C. VCF-style: chr21-33352755-T-C. GRCh37 (hg19) VCF-style: chr21-34725061-T-C.
Other names: c.937-3T>C (NM_001384504.1); c.382-3T>C (NM_001384500.1); c.1144-3T>C (NM_001384498.1, NM_001384503.1, NM_001384499.1); c.1129-3T>C (NM_001384501.1); c.682-3T>C (NM_001384502.1).
Identifiers: ClinVar variation 1517786 (VCV001517786.3), dbSNP rs368172716, ClinGen allele CA10006686.

ClinVar aggregate classification (germline): Uncertain significance (1 of 4 stars; one submission).

Allele frequency attached by ClinVar (database versions not stated): gnomAD exomes 0.00002 and 0.00005; ExAC 0.00005; TOPMed 0.00019; 1000 Genomes Project 0.00020; gnomAD 0.00020 and 0.00021; 1000 Genomes Project 30x 0.00031; ESP Exome Variant Server 0.00039.
gnomAD v4.1: 58 of 1,450,498 alleles (0.004%); highest among the groups gnomAD compares: African/African-American, 0.076%; no homozygotes.

Submission:

Labcorp Genetics (formerly Invitae), Labcorp
Classification: Uncertain significance. Last evaluated: 2021-07-28. Review status: criteria provided, single submitter. Criteria: Invitae Variant Classification Sherloc (09022015). Collection method: clinical testing. Allele origin: germline.
Comment: This sequence change falls in intron 8 of the IFNAR1 gene. It does not directly change the encoded amino acid sequence of the IFNAR1 protein. It affects a nucleotide within the consensus splice site of the intron. This variant is present in population databases (rs368172716, ExAC 0.06%). This variant has not been reported in the literature in individuals with IFNAR1-related conditions. Nucleotide substitutions within the consensus splice site are a relatively common cause of aberrant splicing (PMID: 17576681, 9536098). Algorithms developed to predict the effect of sequence changes on RNA splicing suggest that this variant is not likely to affect RNA splicing, but this prediction has not been confirmed by published transcriptional studies. In summary, the available evidence is currently insufficient to determine the role of this variant in disease. Therefore, it has been classified as a Variant of Uncertain Significance.

Literature cited by the submitters: PubMed 17576681; PubMed 9536098.